The following is an entry in ClinVar:

NM_000094.4(COL7A1):c.4406dup (p.Arg1470fs)

Gene: COL7A1 (collagen type VII alpha 1 chain; minus strand). Cytogenetic location: 3p21.31.
Variant type: Duplication.
Coding change: c.4406dup on transcript NM_000094.4 (MANE Select); coding-DNA position 4406, one base duplicated (C; older notation c.4406dupC).
Protein change: p.Arg1470fs; shifts the reading frame from arginine 1470.
Molecular consequence: frameshift variant.
Genome position (GRCh38, 1-based): chr3:48,583,424, G duplicated on the plus strand (C on the coding strand, the reverse complement: COL7A1 is on the minus strand); the first of 3 consecutive G bases (chr3:48,583,424-48,583,426); duplicating any one gives the same sequence. VCF-style (leftmost placement, unchanged base first): chr3-48583423-T-TG. GRCh37 (hg19) VCF-style: chr3-48620856-T-TG.
Other names: short protein forms R1470fs.
Identifiers: ClinVar variation 2074512 (VCV002074512.5), dbSNP rs2531143895, ClinGen allele CA2580070055.

ClinVar aggregate classification (germline): Pathogenic. Review status: criteria provided, multiple submitters, no conflicts (2 of 4 stars). 2 submissions from 2 submitters: Pathogenic (2). Last evaluated 2024-07-22.

Conditions:
Recessive dystrophic epidermolysis bullosa (RDEB). Also called: Recessive DEB (RDEB); DYSTROPHIC EPIDERMOLYSIS BULLOSA, AUTOSOMAL RECESSIVE; EPIDERMOLYSIS BULLOSA DYSTROPHICA, HALLOPEAU-SIEMENS TYPE; Epidermolysis Bullosa Distrophica Autosomal Recessive (RDEB); epidermolysis bullosa dystrophica, autosomal recessive; Hallopeau-Siemens Disease. Identifiers: Orphanet 79408, Orphanet 79409, MedGen C0079474, MONDO:0009179, OMIM 226600.

Submissions (2):

Myriad Genetics, Inc.
Classification: Pathogenic for Recessive dystrophic epidermolysis bullosa. Last evaluated: 2024-07-22. Review status: criteria provided, single submitter. Criteria: Myriad Autosomal Dominant, Autosomal Recessive and X-Linked Classification Criteria (2023). Collection method: clinical testing. Allele origin: unknown.
Comment: NM_000094.3(COL7A1):c.4406dupC(R1470Tfs*12) is expected to be pathogenic in the context of dystrophic epidermolysis bullosa. This variant is predicted to lead to an abnormal or absent protein product due to the creation of a premature termination codon in COL7A1, a gene where loss-of-function variants are known to be pathogenic. Please note: this variant was assessed in the context of healthy population screening.

Labcorp Genetics (formerly Invitae), Labcorp
Classification: Pathogenic. Last evaluated: 2023-12-12. Review status: criteria provided, single submitter. Criteria: Invitae Variant Classification Sherloc (09022015). Collection method: clinical testing. Allele origin: germline.
Comment: This sequence change creates a premature translational stop signal (p.Arg1470Thrfs*12) in the COL7A1 gene. It is expected to result in an absent or disrupted protein product. Loss-of-function variants in COL7A1 are known to be pathogenic (PMID: 16971478). This variant is not present in population databases (gnomAD no frequency). This variant has not been reported in the literature in individuals affected with COL7A1-related conditions. ClinVar contains an entry for this variant (Variation ID: 2074512). For these reasons, this variant has been classified as Pathogenic.

Literature cited by the submitters: PubMed 16971478 (cited by Labcorp Genetics (formerly Invitae), Labcorp).